The following is an entry in ClinVar:

NM_001018005.2(TPM1):c.625G>A (p.Ala209Thr)

Gene: TPM1 (tropomyosin 1; plus strand). Cytogenetic location: 15q22.2.
Variant type: single nucleotide variant.
Coding change: c.625G>A on transcript NM_001018005.2 (MANE Select); coding-DNA position 625, G replaced by A.
Protein change: p.Ala209Thr; replaces alanine 209 with threonine.
Molecular consequence: missense variant. On other transcripts: intron variant (6).
Genome position (GRCh38, 1-based): chr15:63,061,774, G>A. VCF-style: chr15-63061774-G-A. GRCh37 (hg19) VCF-style: chr15-63353973-G-A.
Other names: p.A209T:GCT>ACT; c.625G>A, p.Ala209Thr (NM_001018004.2, NM_001018007.2, NM_001301244.2 and 3 more transcripts); c.517G>A, p.Ala173Thr (NM_001018008.2, NM_001301289.2, NM_001330346.2 and 2 more transcripts); c.751G>A, p.Ala251Thr (NM_001365778.1); c.640-441G>A (NM_001018020.2, NM_001018006.2, NM_000366.6); c.532-441G>A (NM_001330351.2, NM_001330344.2, NM_001365781.2); short protein forms A209T, A251T, A173T.
Identifiers: ClinVar variation 181686 (VCV000181686.3), dbSNP rs730881159, ClinGen allele CA018213.

ClinVar aggregate classification (germline): Conflicting classifications of pathogenicity. Review status: criteria provided, conflicting classifications (1 of 4 stars). 2 submissions from 2 submitters: Likely pathogenic (1); Uncertain significance (1). Last evaluated 2023-06-08.

Conditions:
Hypertrophic cardiomyopathy. Also called: HYPERTROPHIC MYOCARDIOPATHY. Identifiers: Orphanet 217569, MedGen C0007194, MeSH D002312, MONDO:0005045, HP:0001639.

Submissions (2):

All of Us Research Program, National Institutes of Health
Classification: Uncertain significance for Hypertrophic cardiomyopathy. Last evaluated: 2023-06-08. Review status: criteria provided, single submitter. Criteria: ACMG Guidelines, 2015. Collection method: clinical testing. Allele origin: germline. Inheritance: Autosomal dominant inheritance. Observed: 1 variant allele, 1 heterozygote.
Comment: This missense variant replaces alanine with threonine at codon 209 of the TPM1 protein. Computational prediction is inconclusive regarding the impact of this variant on protein structure and function (internally defined REVEL score threshold 0.5 < inconclusive < 0.7, PMID: 27666373). To our knowledge, functional studies have not been reported for this variant. This variant has not been reported in individuals affected with TPM1-related disorders in the literature. This variant has not been identified in the general population by the Genome Aggregation Database (gnomAD). The available evidence is insufficient to determine the role of this variant in disease conclusively. Therefore, this variant is classified as a Variant of Uncertain Significance.

This study involves interpretation of variants in research participants for the purpose of population health screening. Participant phenotype was not available at the time of variant classification. Additional details can be found in publication PMID: 35346344, PMCID: PMC8962531

GeneDx
Classification: Likely pathogenic. Last evaluated: 2014-10-08. Review status: criteria provided, single submitter. Criteria: GeneDx Variant Classification (06012015). Collection method: clinical testing. Allele origin: germline. Affected: yes.
Comment: The A209T variant is likely pathogenic and was identified in the TPM1 gene. It has not been published as a mutation, nor has it been reported as a benign polymorphism to our knowledge. The A209T variant was not observed in approximately 6,500 individuals of European and African American ancestry in the NHLBI Exome Sequencing Project, indicating it is not a common benign variant in these populations. The A209T variant is a non-conservative amino acid substitution, which is likely to impact secondary protein structure as these residues differ in polarity, charge, size and/or other properties. Additionally, this substitution occurs at a position that is conserved across species and in silico analysis predicts this variant is probably damaging to the protein structure/function. Furthermore, missense mutations in nearby residues (T201M, Q210R, A211G, S215L) have been reported in association with cardiomyopathy, supporting the functional importance of this region of the protein. Therefore, this variant is a strong candidate for a pathogenic mutation, however the possibility that it is a benign variant cannot be excluded. The variant is found in CARDIOMYOPATHY panel(s).